The following is an entry in ClinVar:

NM_020184.4(CNNM4):c.2101C>T (p.Arg701Trp)

Gene: CNNM4 (cyclin and CBS domain divalent metal cation transport mediator 4; plus strand). Cytogenetic location: 2q11.2.
Variant type: single nucleotide variant.
Coding change: c.2101C>T on transcript NM_020184.4 (MANE Select); coding-DNA position 2101, C replaced by T.
Protein change: p.Arg701Trp; replaces arginine 701 with tryptophan.
Molecular consequence: missense variant.
Genome position (GRCh38, 1-based): chr2:96,808,713, C>T. VCF-style: chr2-96808713-C-T. GRCh37 (hg19) VCF-style: chr2-97474450-C-T.
Other names: short protein forms R701W.
Identifiers: ClinVar variation 1026173 (VCV001026173.9), dbSNP rs372182086, ClinGen allele CA1783562.
Genomic context (GRCh38, chr2:96,808,713, plus strand): 5'-GGCAGCAGCAACCAGTTTGGCAGCTCTGTCCTGGGCCAGTACATCTCTGACTTCAGCGTC[C>T]GGGCACTCGTGGACTTGCAGTACATCAAGGTGAGTGCCTCACTGCCCTGTCTGGGCAGTG-3'
Protein context (NP_064569.3, residues 691-711): LGQYISDFSV[Arg701Trp]ALVDLQYIKI

ClinVar aggregate classification (germline): Uncertain significance. Review status: criteria provided, multiple submitters, no conflicts (2 of 4 stars). 2 submissions from 2 submitters: Uncertain significance (2). Last evaluated 2022-12-16.

Allele frequency attached by ClinVar (database versions not stated): gnomAD exomes below 0.00001 and 0.00002; TOPMed below 0.00001; gnomAD 0.00001; ExAC 0.00002; ESP Exome Variant Server 0.00008.
gnomAD v4.1: 6 of 1,614,044 alleles (0.00037%); highest among the groups gnomAD compares: Admixed American, 0.0033%; no homozygotes.

Submissions (2):

Blueprint Genetics
Classification: Uncertain significance. Last evaluated: 2022-12-16. Review status: criteria provided, single submitter. Criteria: ACMG Guidelines, 2015. Collection method: clinical testing. Allele origin: germline.

Labcorp Genetics (formerly Invitae), Labcorp
Classification: Uncertain significance. Last evaluated: 2022-07-05. Review status: criteria provided, single submitter. Criteria: Invitae Variant Classification Sherloc (09022015). Collection method: clinical testing. Allele origin: germline.
Comment: In summary, the available evidence is currently insufficient to determine the role of this variant in disease. Therefore, it has been classified as a Variant of Uncertain Significance. Algorithms developed to predict the effect of missense changes on protein structure and function are either unavailable or do not agree on the potential impact of this missense change (SIFT: "Deleterious"; PolyPhen-2: "Probably Damaging"; Align-GVGD: "Class C0"). ClinVar contains an entry for this variant (Variation ID: 1026173). This variant has not been reported in the literature in individuals affected with CNNM4-related conditions. This variant is present in population databases (rs372182086, gnomAD 0.006%). This sequence change replaces arginine, which is basic and polar, with tryptophan, which is neutral and slightly polar, at codon 701 of the CNNM4 protein (p.Arg701Trp).